The following is an entry in ClinVar:

ClinVar aggregate classification (germline): Uncertain significance. Review status: criteria provided, multiple submitters, no conflicts (2 of 4 stars). 2 submissions from 2 submitters: Uncertain significance (2). Last evaluated 2025-04-09.

Conditions:
Glucocorticoid-remediable aldosteronism. Also called: ACTH-DEPENDENT HYPERALDOSTERONISM SYNDROME; ALDOSTERONISM, SENSITIVE TO DEXAMETHASONE; FH I; GLUCOCORTICOID-SUPPRESSIBLE HYPERALDOSTERONISM; Hyperaldosteronism, familial, type I. Identifiers: Orphanet 403, MedGen C3838731, MONDO:0007080, OMIM 103900.
Deficiency of steroid 11-beta-monooxygenase (CYP11B1). Also called: ADRENAL HYPERPLASIA, CONGENITAL, DUE TO STEROID 11-BETA-HYDROXYLASE DEFICIENCY; 11-BETA-HYDROXYLASE DEFICIENCY; P450C11B1 DEFICIENCY; STEROID 11-BETA-HYDROXYLASE DEFICIENCY; Congenital adrenal hyperplasia due to 11-beta-hydroxylase deficiency; ADRENAL HYPERPLASIA IV. Identifiers: Orphanet 90795, MedGen C0268292, MONDO:0008729, OMIM 202010. Disease mechanism: loss of function.

Submissions (2):

Labcorp Genetics (formerly Invitae), Labcorp
Classification: Uncertain significance. Last evaluated: 2025-04-09. Review status: criteria provided, single submitter. Criteria: Invitae Variant Classification Sherloc (09022015). Collection method: clinical testing. Allele origin: germline.
Comment: This sequence change replaces asparagine, which is neutral and polar, with serine, which is neutral and polar, at codon 335 of the CYP11B1 protein (p.Asn335Ser). This variant is present in population databases (no rsID available, gnomAD 0.009%). This variant has not been reported in the literature in individuals affected with CYP11B1-related conditions. ClinVar contains an entry for this variant (Variation ID: 3595311). Invitae Evidence Modeling of protein sequence and biophysical properties (such as structural, functional, and spatial information, amino acid conservation, physicochemical variation, residue mobility, and thermodynamic stability) indicates that this missense variant is not expected to disrupt CYP11B1 protein function with a negative predictive value of 95%. In summary, the available evidence is currently insufficient to determine the role of this variant in disease. Therefore, it has been classified as a Variant of Uncertain Significance.

Fulgent Genetics
Classification: Uncertain significance for Glucocorticoid-remediable aldosteronism; Deficiency of steroid 11-beta-monooxygenase. Last evaluated: 2024-03-05. Review status: criteria provided, single submitter. Criteria: ACMG Guidelines, 2015. Collection method: clinical testing. Allele origin: germline.

NM_000497.4(CYP11B1):c.1004A>G (p.Asn335Ser)

Genes: CYP11B1 (cytochrome P450 family 11 subfamily B member 1; minus strand), LOC106799833 (CYP11B1 recombination region; plus strand). Cytogenetic location: 8q24.3.
Variant type: single nucleotide variant.
Coding change: c.1004A>G on transcript NM_000497.4 (MANE Select); coding-DNA position 1004, A replaced by G.
Protein change: p.Asn335Ser; replaces asparagine 335 with serine.
Molecular consequence: missense variant.
Genome position (GRCh38, 1-based): chr8:142,875,829, T>C on the plus strand (A>G on the coding strand, the complement: CYP11B1 is on the minus strand). VCF-style: chr8-142875829-T-C. GRCh37 (hg19) VCF-style: chr8-143957245-T-C.
Other names: c.1004A>G, p.Asn335Ser (NM_001026213.1); short protein forms N335S.
Identifiers: ClinVar variation 3595311 (VCV003595311.2).
Genomic context (GRCh38, chr8:142,875,829, plus strand): 5'-GGATGTTCACTGATGCTGGCTGCGGCGGCCAGGCTCTCCTGGCGCAGGGCCTGCTGCACG[T>C]TGGGGTTCCGAGCCAGCTCAAAGAGCGTCATCAGCAAGGGAAACACCGTCTGCAGGAGAC-3'
Protein context (NP_000488.3, residues 325-345): MTLFELARNP[Asn335Ser]VQQALRQESL